The following is an entry in ClinVar:

NM_001379210.1(SLC25A26):c.34-160G>A

Gene: SLC25A26 (solute carrier family 25 member 26; plus strand). Cytogenetic location: 3p14.1.
Variant type: single nucleotide variant.
Coding change: c.34-160G>A on transcript NM_001379210.1 (MANE Select); 160 bases into the intron before coding-DNA position 34, G replaced by A.
Molecular consequence: intron variant.
Genome position (GRCh38, 1-based): chr3:66,236,384, G>A. VCF-style: chr3-66236384-G-A. GRCh37 (hg19) VCF-style: chr3-66286808-G-A.
Other names: c.34-160G>A (NM_173471.4); c.-231-160G>A (NM_001350993.1); c.-74-6819G>A (NM_001164796.1).
Identifiers: ClinVar variation 673259 (VCV000673259.1), dbSNP rs36169063, ClinGen allele CA11570049.

ClinVar aggregate classification (germline): Benign (1 of 4 stars; one submission).

Allele frequency attached by ClinVar (database versions not stated): gnomAD exomes 0.01626; gnomAD 0.05776 and 0.05860; TOPMed 0.06767; 1000 Genomes Project 0.08027; 1000 Genomes Project 30x 0.08323.
gnomAD v4.1: 9,119 of 176,754 alleles (5.2%); highest among the groups gnomAD compares: Admixed American, 15%; 518 homozygotes.

Submission:

GeneDx
Classification: Benign. Last evaluated: 2018-06-14. Review status: criteria provided, single submitter. Criteria: GeneDx Variant Classification (06012015). Collection method: clinical testing. Allele origin: germline. Affected: yes.
Comment: This variant is considered likely benign or benign based on one or more of the following criteria: it is a conservative change, it occurs at a poorly conserved position in the protein, it is predicted to be benign by multiple in silico algorithms, and/or has population frequency not consistent with disease.